The following is an entry in ClinVar:

NM_182915.3(STEAP3):c.1099A>C (p.Met367Leu)

Gene: STEAP3 (STEAP3 metalloreductase; plus strand). Cytogenetic location: 2q14.2.
Variant type: single nucleotide variant.
Coding change: c.1099A>C on transcript NM_182915.3 (MANE Select); coding-DNA position 1099, A replaced by C.
Protein change: p.Met367Leu; replaces methionine 367 with leucine.
Molecular consequence: missense variant.
Genome position (GRCh38, 1-based): chr2:119,254,732, A>C. VCF-style: chr2-119254732-A-C. GRCh37 (hg19) VCF-style: chr2-120012308-A-C.
Other names: c.1069A>C, p.Met357Leu (NM_001008410.2, NM_018234.3, NM_138637.3); short protein forms M367L, M357L.
Identifiers: ClinVar variation 2811994 (VCV002811994.3), dbSNP rs767144294, ClinGen allele CA1846808.
Genomic context (GRCh38, chr2:119,254,732, plus strand): 5'-CATCCATGTCAGGTCTTGGCCAACAAGAGCCACCTCTGGGTGGAGGAGGAGGTCTGGCGG[A>C]TGGAGATCTACCTCTCCCTGGGAGTGCTGGCCCTCGGCACGTTGTCCCTGCTGGCCGTGA-3'
Protein context (NP_878919.2, residues 357-377): HLWVEEEVWR[Met367Leu]EIYLSLGVLA

ClinVar aggregate classification (germline): Uncertain significance (1 of 4 stars; one submission).

Allele frequency attached by ClinVar (database versions not stated): gnomAD 0.00001.
gnomAD v4.1: 13 of 1,613,990 alleles (0.00081%); highest among the groups gnomAD compares: South Asian, 0.012%; no homozygotes.

Submission:

Labcorp Genetics (formerly Invitae), Labcorp
Classification: Uncertain significance. Last evaluated: 2023-12-12. Review status: criteria provided, single submitter. Criteria: Invitae Variant Classification Sherloc (09022015). Collection method: clinical testing. Allele origin: germline.
Comment: This sequence change replaces methionine, which is neutral and non-polar, with leucine, which is neutral and non-polar, at codon 357 of the STEAP3 protein (p.Met357Leu). This variant is present in population databases (rs767144294, gnomAD 0.03%). This variant has not been reported in the literature in individuals affected with STEAP3-related conditions. Algorithms developed to predict the effect of missense changes on protein structure and function output the following: SIFT: "Not Available"; PolyPhen-2: "Benign"; Align-GVGD: "Not Available". The leucine amino acid residue is found in multiple mammalian species, which suggests that this missense change does not adversely affect protein function. In summary, the available evidence is currently insufficient to determine the role of this variant in disease. Therefore, it has been classified as a Variant of Uncertain Significance.